The following is an entry in ClinVar:

NM_001458.5(FLNC):c.2816_2823dup (p.Val942fs)

Gene: FLNC (filamin C; plus strand). Cytogenetic location: 7q32.1.
Variant type: Duplication.
Coding change: c.2816_2823dup on transcript NM_001458.5 (MANE Select); coding-DNA positions 2816 to 2823, 8 bases duplicated (ACATGGCA; older notation c.2816_2823dupACATGGCA).
Protein change: p.Val942fs; shifts the reading frame from valine 942.
Molecular consequence: frameshift variant.
Genome position (GRCh38, 1-based): chr7:128,843,800-128,843,807, ACATGGCA duplicated; duplicating any 8 consecutive bases within chr7:128,843,796-128,843,807 gives the same sequence; the c. name uses the placement nearest the transcript's 3' end. VCF-style (leftmost placement, unchanged base first): chr7-128843795-G-GGGCAACAT. GRCh37 (hg19) VCF-style: chr7-128483849-G-GGGCAACAT.
Other names: c.2816_2823dup, p.Val942fs (NM_001127487.2); short protein forms V942fs.
Identifiers: ClinVar variation 1441574 (VCV001441574.6), dbSNP rs2128936072, ClinGen allele CA2573141721.

ClinVar aggregate classification (germline): Pathogenic (1 of 4 stars; one submission).

Conditions:
Hypertrophic cardiomyopathy 26. Also called: Cardiomyopathy, familial hypertrophic, 26. Identifiers: Orphanet 75249, MedGen C4310749, MONDO:0014883, OMIM 617047.
Myofibrillar myopathy 5. Also called: Filaminopathy (type); FILAMINOPATHY, AUTOSOMAL DOMINANT. Identifiers: Orphanet 171445, MedGen C1836050, MONDO:0012289, OMIM 609524.
Distal myopathy with posterior leg and anterior hand involvement. Also called: WILLIAMS DISTAL MYOPATHY. Identifiers: Orphanet 63273, MedGen C3279722, MONDO:0013550, OMIM 614065.

Submission:

Labcorp Genetics (formerly Invitae), Labcorp
Classification: Pathogenic for Distal myopathy with posterior leg and anterior hand involvement; Myofibrillar myopathy 5; Hypertrophic cardiomyopathy 26. Last evaluated: 2023-01-30. Review status: criteria provided, single submitter. Criteria: Invitae Variant Classification Sherloc (09022015). Collection method: clinical testing. Allele origin: germline.
Comment: This sequence change creates a premature translational stop signal (p.Val942Thrfs*4) in the FLNC gene. It is expected to result in an absent or disrupted protein product. Loss-of-function variants in FLNC are known to be pathogenic (PMID: 27908349). This variant is not present in population databases (gnomAD no frequency). This variant has not been reported in the literature in individuals affected with FLNC-related conditions. ClinVar contains an entry for this variant (Variation ID: 1441574). Algorithms developed to predict the effect of sequence changes on RNA splicing suggest that this variant may disrupt the consensus splice site. For these reasons, this variant has been classified as Pathogenic.

Literature cited by the submitters: PubMed 27908349.